The following is an entry in ClinVar:

NM_005918.4(MDH2):c.314A>G (p.Lys105Arg)

Gene: MDH2 (malate dehydrogenase 2; plus strand). Cytogenetic location: 7q11.23.
Variant type: single nucleotide variant.
Coding change: c.314A>G on transcript NM_005918.4 (MANE Select); coding-DNA position 314, A replaced by G.
Protein change: p.Lys105Arg; replaces lysine 105 with arginine.
Molecular consequence: missense variant. On other transcripts: 5 prime UTR variant (1).
Genome position (GRCh38, 1-based): chr7:76,057,488, A>G. VCF-style: chr7-76057488-A-G. GRCh37 (hg19) VCF-style: chr7-75686806-A-G.
Other names: c.314A>G, p.Lys105Arg (NM_001282403.2); c.-8A>G (NM_001282404.2); short protein forms K105R.
Identifiers: ClinVar variation 3359461 (VCV003359461.2).

ClinVar aggregate classification (germline): Uncertain significance. Review status: criteria provided, multiple submitters, no conflicts (2 of 4 stars). 2 submissions from 2 submitters: Uncertain significance (2). Last evaluated 2024-08-07.

Conditions:
Inborn genetic diseases. Identifiers: MedGen C0950123, MeSH D030342.

gnomAD v4.1: 1 of 1,614,150 alleles (0.000062%); highest among the groups gnomAD compares: Admixed American, 0.0017%; no homozygotes.

Submissions (2):

Ambry Genetics
Classification: Uncertain significance for Inborn genetic diseases. Last evaluated: 2024-08-07. Review status: criteria provided, single submitter. Criteria: Ambry Variant Classification Scheme 2023. Collection method: clinical testing. Allele origin: germline.
Comment: The p.K105R variant (also known as c.314A>G), located in coding exon 3 of the MDH2 gene, results from an A to G substitution at nucleotide position 314. The lysine at codon 105 is replaced by arginine, an amino acid with highly similar properties. This amino acid position is conserved. In addition, the in silico prediction for this alteration is inconclusive. Based on the available evidence, the clinical significance of this variant remains unclear.

GeneDx
Classification: Uncertain significance. Last evaluated: 2023-05-30. Review status: criteria provided, single submitter. Criteria: GeneDx Variant Classification Process June 2021. Collection method: clinical testing. Allele origin: germline. Affected: yes.
Comment: Not observed at significant frequency in large population cohorts (gnomAD); In silico analysis supports that this missense variant has a deleterious effect on protein structure/function; Has not been previously published as pathogenic or benign to our knowledge